The following is an entry in ClinVar:

ClinVar aggregate classification (germline): Uncertain significance (1 of 4 stars; one submission).

Conditions:
KIDINS220-related disorder. Also called: KIDINS220-related condition.

Submission:

PreventionGenetics, part of Exact Sciences
Classification: Uncertain significance for KIDINS220-related condition. Last evaluated: 2026-04-19. Review status: criteria provided, single submitter. Criteria: ACMG Guidelines, 2015. Collection method: clinical testing. Allele origin: germline.
Comment: The KIDINS220 c.3376A>G variant is predicted to result in the amino acid substitution p.Ser1126Gly. To our knowledge, this variant has not been reported in the literature or in a large population database (gnomAD), indicating this variant is rare. At this time, the clinical significance of this variant is uncertain due to the absence of conclusive functional and genetic evidence.

NM_020738.4(KIDINS220):c.3376A>G (p.Ser1126Gly)

Gene: KIDINS220 (kinase D interacting substrate 220; minus strand). Cytogenetic location: 2p25.1.
Variant type: single nucleotide variant.
Coding change: c.3376A>G on transcript NM_020738.4 (MANE Select); coding-DNA position 3376, A replaced by G.
Protein change: p.Ser1126Gly; replaces serine 1126 with glycine.
Molecular consequence: missense variant. On other transcripts: non-coding transcript variant (2).
Genome position (GRCh38, 1-based): chr2:8,750,150, T>C on the plus strand (A>G on the coding strand, the complement: KIDINS220 is on the minus strand). VCF-style: chr2-8750150-T-C. GRCh37 (hg19) VCF-style: chr2-8890280-T-C.
Other names: c.3379A>G, p.Ser1127Gly (NM_001348729.2, NM_001348731.2, NM_001348734.2 and 2 more transcripts); c.3376A>G, p.Ser1126Gly (NM_001348732.2, NM_001348735.2, NM_001348738.2 and 3 more transcripts); c.3250A>G, p.Ser1084Gly (NM_001348736.2); short protein forms S1126G, S1127G, S1084G.
Identifiers: ClinVar variation 4993622 (VCV004993622.1).